The following is an entry in ClinVar:

NM_025074.7(FRAS1):c.7258-2A>G

Gene: FRAS1 (Fraser extracellular matrix complex subunit 1; plus strand). Cytogenetic location: 4q21.21.
Variant type: single nucleotide variant.
Coding change: c.7258-2A>G on transcript NM_025074.7 (MANE Select); the canonical splice acceptor site of the intron before coding-DNA position 7258, A replaced by G.
Molecular consequence: splice acceptor variant.
Genome position (GRCh38, 1-based): chr4:78,469,976, A>G. VCF-style: chr4-78469976-A-G. GRCh37 (hg19) VCF-style: chr4-79391130-A-G.
Identifiers: ClinVar variation 1804833 (VCV001804833.1), dbSNP rs2477286570, ClinGen allele CA357405048.

ClinVar aggregate classification (germline): Likely pathogenic (1 of 4 stars; one submission).

Conditions:
Fraser syndrome 1 (FRASRS1). Also called: CRYPTOPHTHALMOS WITH OTHER MALFORMATIONS. Identifiers: Orphanet 2052, MedGen C4551480, MONDO:0054737, OMIM 219000.

Submission:

Women's Health and Genetics/Laboratory Corporation of America, LabCorp
Classification: Likely pathogenic for Fraser syndrome 1. Last evaluated: 2022-11-15. Review status: criteria provided, single submitter. Criteria: LabCorp Variant Classification Summary - May 2015. Collection method: clinical testing. Allele origin: germline.
Comment: Variant summary: FRAS1 c.7258-2A>G is located in a canonical splice-site and is predicted to affect mRNA splicing resulting in a significantly altered protein due to either exon skipping, shortening, or inclusion of intronic material. Several computational tools predict a significant impact on normal splicing: four predict the variant abolishes a 3' acceptor site, while three predict that the variant creates (activates) a cryptic 3' acceptor site, 10 nucleotides downstream from the original splice site. However, these predictions have yet to be confirmed by functional studies. The variant was absent in 247586 control chromosomes (gnomAD). To our knowledge, no occurrence of c.7258-2A>G in individuals affected with Cryptophthalmos Syndrome and no experimental evidence demonstrating its impact on protein function have been reported. No clinical diagnostic laboratories have submitted clinical-significance assessments for this variant to ClinVar after 2014. Based on the evidence outlined above, the variant was classified as likely pathogenic.